The following is an entry in ClinVar:

ClinVar aggregate classification (germline): Conflicting classifications of pathogenicity. Review status: criteria provided, conflicting classifications (1 of 4 stars). 6 submissions from 6 submitters: Uncertain significance (2); Benign (2); Likely benign (1). 1 of the submissions does not count toward it. Last evaluated 2026-02-01.

Conditions:
Autoinflammatory syndrome, familial, Behcet-like 1 (AIFBL1). Also called: Haploinsufficiency of A20. Identifiers: Orphanet 674762, MedGen C4225218, MONDO:0800045, OMIM 616744.

Allele frequency attached by ClinVar (database versions not stated): gnomAD exomes 0.00046 and 0.00120; ExAC 0.00166; gnomAD 0.00536 and 0.00569; ESP Exome Variant Server 0.00554; TOPMed 0.00570; 1000 Genomes Project 0.00599; 1000 Genomes Project 30x 0.00750.
gnomAD v4.1: 1,509 of 1,614,222 alleles (0.093%); highest among the groups gnomAD compares: African/African-American, 1.8%; 15 homozygotes.

Submissions (7):

Labcorp Genetics (formerly Invitae), Labcorp
Classification: Benign. Last evaluated: 2026-02-01. Review status: criteria provided, single submitter. Criteria: Invitae Variant Classification Sherloc (09022015). Collection method: clinical testing. Allele origin: germline.

Mayo Clinic Laboratories, Mayo Clinic
Classification: Benign. Last evaluated: 2025-02-10. Review status: criteria provided, single submitter. Criteria: ACMG Guidelines, 2015. Collection method: clinical testing. Allele origin: germline. Observed: 5 variant alleles.
Comment: BS1, BS2, BP4_moderate

Blueprint Genetics
Classification: Likely benign. Last evaluated: 2024-11-26. Review status: criteria provided, single submitter. Criteria: ACMG Guidelines, 2015. Collection method: clinical testing. Allele origin: germline.

ARUP Laboratories, Molecular Genetics and Genomics, ARUP Laboratories
Classification: Uncertain significance for Autoinflammatory syndrome, familial, Behcet-like 1. Last evaluated: 2024-08-30. Review status: criteria provided, single submitter. Criteria: ARUP Molecular Germline Variant Investigation Process 2024. Collection method: clinical testing. Allele origin: germline.
Comment: The TNFAIP3 c.374C>T; p.Ala125Val variant (rs5029941), to our knowledge, has not been reported in individuals with Behcet-like autoinflammatory syndrome but has been reported to mediate risk for other inflammatory related disorders (Lodolce 2010). Functional analyses of the variant protein show diminished deubiquitination and degradation activity, although it is unclear whether this results in increased or decreased inflammation (Lodolce 2010). This variant is also reported in ClinVar (Variation ID: 135332). This variant is found in the African population with an allele frequency of 1.7% (434/24970 alleles, including 4 homozygotes) in the Genome Aggregation Database v2.1.1. The alanine at codon 125 is moderately conserved, but computational analyses predict that this variant is neutral (REVEL: 0.078). Although the population frequency of this variant is relatively high, the possibility of reduced penetrance or a mild effect cannot be excluded. Therefore, due to a lack of clinical and functional data, the significance of this variant cannot be determined with certainty. Reference Lodolce JP et al. African-derived genetic polymorphisms in TNFAIP3 mediate risk for autoimmunity. J Immunol. 2010 Jun 15;184(12):7001-9. PMID: 20483768.

Genomic Diagnostic Laboratory, Division of Genomic Diagnostics, Children's Hospital of Philadelphia
Classification: Uncertain significance. Last evaluated: 2015-10-13. Review status: criteria provided, single submitter. Criteria: DGD Variant Analysis Guidelines. Collection method: clinical testing. Allele origin: unknown.

ITMI
No classification provided. Condition: AllHighlyPenetrant. Last evaluated: 2013-09-19. Review status: no classification provided. Collection method: reference population. Allele origin: germline. Not counted in ClinVar's aggregate classification.
Comment: Please see associated publication for description of ethnicities

Dr. Peter K. Rogan Lab, Western University
No classification provided (evidence only). Condition: Uterine corpus endometrial carcinoma. Review status: no classification provided. Collection method: in vitro. Allele origin: not applicable. Functional consequence: retained intron. Not counted in ClinVar's aggregate classification.

Literature cited by the submitters: PubMed 20483768 (cited by Mayo Clinic Laboratories, Mayo Clinic); PubMed 34054914 (cited by Mayo Clinic Laboratories, Mayo Clinic); PubMed 24728327 (cited by ITMI).

NM_001270508.2(TNFAIP3):c.374C>T (p.Ala125Val)

Gene: TNFAIP3 (TNF alpha induced protein 3; plus strand). Cytogenetic location: 6q23.3.
Variant type: single nucleotide variant.
Coding change: c.374C>T on transcript NM_001270508.2 (MANE Select); coding-DNA position 374, C replaced by T.
Protein change: p.Ala125Val; replaces alanine 125 with valine.
Molecular consequence: missense variant.
Genome position (GRCh38, 1-based): chr6:137,874,923, C>T. VCF-style: chr6-137874923-C-T. GRCh37 (hg19) VCF-style: chr6-138196060-C-T.
Other names: c.374C>T, p.Ala125Val (NM_006290.4, NM_001270507.2); short protein forms A125V.
Identifiers: ClinVar variation 135332 (VCV000135332.23), dbSNP rs5029941, ClinGen allele CA162411.